The following is an entry in ClinVar:

NM_000135.4(FANCA):c.50del (p.Gly17fs)

Genes: FANCA (FA complementation group A; minus strand), LOC112486223 (Sharpr-MPRA regulatory region 3988; plus strand). Cytogenetic location: 16q24.3.
Variant type: Deletion.
Coding change: c.50del on transcript NM_000135.4 (MANE Select); coding-DNA position 50, one base deleted (G; older notation c.50delG).
Protein change: p.Gly17fs; shifts the reading frame from glycine 17.
Molecular consequence: frameshift variant.
Genome position (GRCh38, 1-based): chr16:89,816,566, C deleted on the plus strand (G on the coding strand, the reverse complement: FANCA is on the minus strand); the first of 5 consecutive C bases (chr16:89,816,566-89,816,570); deleting any one gives the same sequence. VCF-style (leftmost placement, unchanged base first): chr16-89816565-GC-G. GRCh37 (hg19) VCF-style: chr16-89882973-GC-G.
Other names: c.50del, p.Gly17fs (NM_001018112.3, NM_001286167.3, NM_001351830.2); short protein forms G17fs.
Identifiers: ClinVar variation 974277 (VCV000974277.8), dbSNP rs748624754, ClinGen allele CA8253265.

ClinVar aggregate classification (germline): Pathogenic. Review status: criteria provided, multiple submitters, no conflicts (2 of 4 stars). 3 submissions from 3 submitters: Pathogenic (2). 1 of the submissions does not count toward it. Last evaluated 2023-06-18.

Conditions:
Fanconi anemia complementation group A (FANCA). Also called: Fanconi anemia, group A; FANCA-Related Fanconi Anemia. Identifiers: Orphanet 84, MedGen C3469521, MONDO:0009215, OMIM 227650.
Fanconi anemia (FA). Also called: Fanconi's anemia. Identifiers: Orphanet 84, MedGen C0015625, MeSH D005199, MONDO:0019391.

Submissions (3):

Baylor Genetics
Classification: Pathogenic for Fanconi anemia complementation group A. Last evaluated: 2023-06-18. Review status: criteria provided, single submitter. Criteria: ACMG Guidelines, 2015. Collection method: clinical testing. Allele origin: unknown.

Labcorp Genetics (formerly Invitae), Labcorp
Classification: Pathogenic for Fanconi anemia. Last evaluated: 2021-10-08. Review status: criteria provided, single submitter. Criteria: Invitae Variant Classification Sherloc (09022015). Collection method: clinical testing. Allele origin: germline.
Comment: This sequence change creates a premature translational stop signal (p.Gly17Alafs*27) in the FANCA gene. It is expected to result in an absent or disrupted protein product. Loss-of-function variants in FANCA are known to be pathogenic (PMID: 19367192). While this variant is present in population databases (rs748624754), the frequency information is unreliable, as metrics indicate poor data quality at this position in the ExAC database. This premature translational stop signal has been observed in individual(s) with Fanconi anemia (PMID: 21273304). ClinVar contains an entry for this variant (Variation ID: 974277). For these reasons, this variant has been classified as Pathogenic.

Leiden Open Variation Database
Classification: Pathogenic for Fanconi anemia complementation group A. Last evaluated: 2020-02-28. Review status: no assertion criteria provided. Collection method: curation. Allele origin: germline. Affected: yes. Not counted in ClinVar's aggregate classification.
Comment: Curator: Arleen D. Auerbach. Submitter to LOVD: Arleen D. Auerbach.

Literature cited by the submitters: PubMed 19367192 (cited by Labcorp Genetics (formerly Invitae), Labcorp); PubMed 21273304 (cited by Labcorp Genetics (formerly Invitae), Labcorp and Leiden Open Variation Database).